The following is an entry in ClinVar:

ClinVar aggregate classification (germline): Uncertain significance. Review status: criteria provided, multiple submitters, no conflicts (2 of 4 stars). 2 submissions from 2 submitters: Uncertain significance (2). Last evaluated 2024-12-06.

Conditions:
Inborn genetic diseases. Identifiers: MedGen C0950123, MeSH D030342.

Allele frequency attached by ClinVar (database versions not stated): gnomAD 0.00001; ExAC 0.00002; gnomAD exomes 0.00001; TOPMed 0.00002.
gnomAD v4.1: 16 of 1,611,960 alleles (0.00099%); highest among the groups gnomAD compares: South Asian, 0.0066%; no homozygotes.

Submissions (2):

Mayo Clinic Laboratories, Mayo Clinic
Classification: Uncertain significance. Last evaluated: 2024-12-06. Review status: criteria provided, single submitter. Criteria: ACMG Guidelines, 2015. Collection method: clinical testing. Allele origin: germline. Observed: 1 variant allele.
Comment: BP4, PM2_supporting

Ambry Genetics
Classification: Uncertain significance for Inborn genetic diseases. Last evaluated: 2024-01-22. Review status: criteria provided, single submitter. Criteria: Ambry Variant Classification Scheme 2023. Collection method: clinical testing. Allele origin: germline.

NM_015175.3(NBEAL2):c.4210C>T (p.Arg1404Cys)

Gene: NBEAL2 (neurobeachin like 2; plus strand). Cytogenetic location: 3p21.31.
Variant type: single nucleotide variant.
Coding change: c.4210C>T on transcript NM_015175.3 (MANE Select); coding-DNA position 4210, C replaced by T.
Protein change: p.Arg1404Cys; replaces arginine 1404 with cysteine.
Molecular consequence: missense variant.
Genome position (GRCh38, 1-based): chr3:47,000,309, C>T. VCF-style: chr3-47000309-C-T. GRCh37 (hg19) VCF-style: chr3-47041799-C-T.
Other names: p.Arg1404Cys; c.4108C>T, p.Arg1370Cys (NM_001365116.2); short protein forms R1370C, R1404C.
Identifiers: ClinVar variation 3179149 (VCV003179149.2), dbSNP rs762783367, ClinGen allele CA2361173.